The following is an entry in ClinVar:

ClinVar aggregate classification (germline): Conflicting classifications of pathogenicity. Review status: criteria provided, conflicting classifications (1 of 4 stars). 17 submissions from 13 submitters: Uncertain significance (3); Benign (6); Likely benign (7). 1 of the submissions does not count toward it. Last evaluated 2026-02-01.

Conditions:
TTN-related disorder. Also called: TTN-related disorders; TTN-related condition; TTN-related disease.
Cardiovascular phenotype. Identifiers: MedGen CN230736.
Dilated cardiomyopathy 1G (CMD1G). Identifiers: Orphanet 154, MedGen C1858763, MONDO:0011400, OMIM 604145.
Autosomal recessive limb-girdle muscular dystrophy type 2J (LGMDR10). Also called: Limb-girdle muscular dystrophy, type 2J; MUSCULAR DYSTROPHY, LIMB-GIRDLE, AUTOSOMAL RECESSIVE 10. Identifiers: Orphanet 140922, MedGen C1837342, MONDO:0012127, OMIM 608807.
Cardiomyopathy (CMYO). Also called: Cardiomyopathies. Identifiers: Orphanet 167848, MedGen C0878544, MONDO:0004994, HP:0001638. Inheritance: Various modes of inheritance.
Tibial muscular dystrophy (TMD). Also called: UDD MYOPATHY; Tibial muscular dystrophy, tardive; Udd Distal Myopathy – Tibial Muscular Dystrophy. Identifiers: Orphanet 609, MedGen C1838244, MONDO:0010870, OMIM 600334.
Myopathy, myofibrillar, 9, with early respiratory failure (MFM9). Also called: Hereditary myopathy with early respiratory failure; MYOPATHY, PROXIMAL, WITH EARLY RESPIRATORY MUSCLE INVOLVEMENT; Myopathy, distal, with early respiratory failure, autosomal dominant; EDSTROM MYOPATHY. Identifiers: Orphanet 178464, Orphanet 34521, MedGen C1863599, MONDO:0011362, OMIM 603689.
Early-onset myopathy with fatal cardiomyopathy (CMYO5). Also called: Salih Myopathy; CONGENITAL MYOPATHY 5 WITH CARDIOMYOPATHY. Identifiers: Orphanet 289377, MedGen C2673677, MONDO:0012714, OMIM 611705. Disease mechanism: loss of function.

Allele frequency attached by ClinVar (database versions not stated): 1000 Genomes Project 30x 0.00031; TOPMed 0.00068; gnomAD exomes 0.00091 and 0.00078; 1000 Genomes Project 0.00020; gnomAD 0.00061; ExAC 0.00097; ESP Exome Variant Server 0.00099.
gnomAD v4.1: 1,419 of 1,613,120 alleles (0.088%); highest among the groups gnomAD compares: Non-Finnish European, 0.11%; 2 homozygotes.

Submissions (17):

Labcorp Genetics (formerly Invitae), Labcorp
Classification: Benign for Dilated cardiomyopathy 1G; Autosomal recessive limb-girdle muscular dystrophy type 2J. Last evaluated: 2026-02-01. Review status: criteria provided, single submitter. Criteria: Invitae Variant Classification Sherloc (09022015). Collection method: clinical testing. Allele origin: germline.

Molecular Diagnostic Laboratory for Inherited Cardiovascular Disease, Montreal Heart Institute
Classification: Likely benign. Last evaluated: 2025-04-09. Review status: criteria provided, single submitter. Criteria: ACMG Guidelines, 2015. Collection method: clinical testing. Allele origin: germline. Affected: no.

CeGaT Center for Human Genetics Tuebingen
Classification: Likely benign. Last evaluated: 2024-12-01. Review status: criteria provided, single submitter. Criteria: CeGaT Center For Human Genetics Tuebingen Variant Classification Criteria Version 2. Collection method: clinical testing. Allele origin: germline. Affected: yes. Observed: 2 variant alleles.
Comment: TTN: BP4, BP7

Blueprint Genetics
Classification: Likely benign. Last evaluated: 2024-07-10. Review status: criteria provided, single submitter. Criteria: ACMG Guidelines, 2015. Collection method: clinical testing. Allele origin: germline.

Athena Diagnostics
Classification: Benign. Last evaluated: 2024-03-20. Review status: criteria provided, single submitter. Criteria: Athena Diagnostics Criteria. Collection method: clinical testing. Allele origin: unknown.

Women's Health and Genetics/Laboratory Corporation of America, LabCorp
Classification: Benign. Last evaluated: 2021-01-28. Review status: criteria provided, single submitter. Criteria: LabCorp Variant Classification Summary - May 2015. Collection method: clinical testing. Allele origin: germline.

Illumina Laboratory Services, Illumina
Classification: Benign for Myopathy, myofibrillar, 9, with early respiratory failure. Last evaluated: 2018-01-13. Review status: criteria provided, single submitter. Criteria: ICSL Variant Classification Criteria 13 December 2019. Collection method: clinical testing. Allele origin: germline.
Comment: This variant was observed in the ICSL laboratory as part of a predisposition screen in an ostensibly healthy population. It had not been previously curated by ICSL or reported in the Human Gene Mutation Database (HGMD: prior to June 1st, 2018), and was therefore a candidate for classification through an automated scoring system. Utilizing variant allele frequency, disease prevalence and penetrance estimates, and inheritance mode, an automated score was calculated to assess if this variant is too frequent to cause the disease. Based on the score and internal cut-off values, a variant classified as benign is not then subjected to further curation. The score for this variant resulted in a classification of benign for this disease.

Illumina Laboratory Services, Illumina
Classification: Uncertain significance for Dilated cardiomyopathy 1G. Last evaluated: 2018-01-13. Review status: criteria provided, single submitter. Criteria: ICSL Variant Classification Criteria 13 December 2019. Collection method: clinical testing. Allele origin: germline.

Illumina Laboratory Services, Illumina
Classification: Uncertain significance for Autosomal recessive limb-girdle muscular dystrophy type 2J. Last evaluated: 2018-01-13. Review status: criteria provided, single submitter. Criteria: ICSL Variant Classification Criteria 13 December 2019. Collection method: clinical testing. Allele origin: germline.

Illumina Laboratory Services, Illumina
Classification: Uncertain significance for Early-onset myopathy with fatal cardiomyopathy. Last evaluated: 2018-01-13. Review status: criteria provided, single submitter. Criteria: ICSL Variant Classification Criteria 13 December 2019. Collection method: clinical testing. Allele origin: germline.

Illumina Laboratory Services, Illumina
Classification: Benign for Tibial muscular dystrophy. Last evaluated: 2018-01-13. Review status: criteria provided, single submitter. Criteria: ICSL Variant Classification Criteria 13 December 2019. Collection method: clinical testing. Allele origin: germline.
Comment: the same text as in the submission from Illumina Laboratory Services, Illumina above.

Genetic Services Laboratory, University of Chicago
Classification: Likely benign. Last evaluated: 2017-11-03. Review status: criteria provided, single submitter. Criteria: ACMG Guidelines, 2015. Collection method: clinical testing. Allele origin: germline. Affected: no.

CHEO Genetics Diagnostic Laboratory, Children's Hospital of Eastern Ontario
Classification: Likely benign for Cardiomyopathy. Last evaluated: 2017-06-27. Review status: criteria provided, single submitter. Criteria: ACMG Guidelines, 2015. Collection method: clinical testing. Allele origin: germline. Study: Canadian Open Genetics Repository.

Eurofins Ntd Llc (ga)
Classification: Likely benign. Last evaluated: 2016-11-16. Review status: criteria provided, single submitter. Criteria: EGL Classification Definitions 2015. Collection method: clinical testing. Allele origin: germline. Observed: 1 variant allele, 1 heterozygote.

Ambry Genetics
Classification: Likely benign for Cardiovascular phenotype. Last evaluated: 2015-08-27. Review status: criteria provided, single submitter. Criteria: Ambry Variant Classification Scheme 2023. Collection method: clinical testing. Allele origin: germline.

GeneDx
Classification: Benign. Last evaluated: 2014-05-06. Review status: criteria provided, single submitter. Criteria: GeneDx Variant Classification (06012015). Collection method: clinical testing. Allele origin: germline. Affected: yes.
Comment: This variant is considered likely benign or benign based on one or more of the following criteria: it is a conservative change, it occurs at a poorly conserved position in the protein, it is predicted to be benign by multiple in silico algorithms, and/or has population frequency not consistent with disease.

PreventionGenetics, part of Exact Sciences
Classification: Likely benign for TTN-related condition. Last evaluated: 2024-05-02. Review status: no assertion criteria provided. Collection method: clinical testing. Allele origin: germline. Not counted in ClinVar's aggregate classification.
Comment: This variant is classified as likely benign based on ACMG/AMP sequence variant interpretation guidelines (Richards et al. 2015 PMID: 25741868, with internal and published modifications).

Literature cited by the submitters: PubMed 27843123 (cited by Athena Diagnostics).

NM_001267550.2(TTN):c.75738A>G (p.Glu25246=)

Genes: TTN (titin; minus strand), TTN-AS1 (TTN antisense RNA 1; plus strand). Cytogenetic location: 2q31.2.
Variant type: single nucleotide variant.
Coding change: c.75738A>G on transcript NM_001267550.2 (MANE Select); coding-DNA position 75738, A replaced by G.
Protein change: p.Glu25246=; no amino-acid change (glutamic acid 25246 retained).
Molecular consequence: synonymous variant.
Genome position (GRCh38, 1-based): chr2:178,570,394, T>C on the plus strand (A>G on the coding strand, the complement: TTN is on the minus strand). VCF-style: chr2-178570394-T-C. GRCh37 (hg19) VCF-style: chr2-179435121-T-C.
Other names: p.E23605E:GAA>GAG; c.70815A>G, p.Glu23605= (NM_001256850.1); c.48543A>G, p.Glu16181= (NM_003319.4); c.68034A>G, p.Glu22678= (NM_133378.4); c.48918A>G, p.Glu16306= (NM_133432.3); c.49119A>G, p.Glu16373= (NM_133437.4).
Identifiers: ClinVar variation 137807 (VCV000137807.65), dbSNP rs371344165, ClinGen allele CA302898.
Genomic context (GRCh38, chr2:178,570,394, plus strand): 5'-AACCTTGCAGCTGAGAGTCTGCACATTGGCATCAACCACAGTCCAAACTAAGCGGCTGGT[T>C]TCTCTCCTTTCCACAATATAATTTATGATGTCACTCCCACCATCCTGAAGTGGGGGTTTC-3'
Protein context (NP_001254479.2, residues 25236-25256): DIINYIVERR[Glu25246=]TSRLVWTVVD